The following is an entry in ClinVar:

ClinVar aggregate classification (germline): Uncertain significance (1 of 4 stars; one submission).

Conditions:
Brugada syndrome. Also called: Sudden unexpected nocturnal death syndrome; Sudden unexplained nocturnal death syndrome; Sudden Unexplained Death Syndrome; Sudden Unexplained Nocturnal Death Syndrome (SUNDS). Identifiers: Orphanet 130, MedGen C1142166, MONDO:0015263.

Submission:

Labcorp Genetics (formerly Invitae), Labcorp
Classification: Uncertain significance for Brugada syndrome. Last evaluated: 2025-12-31. Review status: criteria provided, single submitter. Criteria: Invitae Variant Classification Sherloc (09022015). Collection method: clinical testing. Allele origin: germline.
Comment: This sequence change replaces isoleucine, which is neutral and non-polar, with valine, which is neutral and non-polar, at codon 1623 of the SCN10A protein (p.Ile1623Val). Information on the frequency of this variant in the gnomAD database is not available, as this variant may be reported differently in the database. This variant has not been reported in the literature in individuals affected with SCN10A-related conditions. ClinVar contains an entry for this variant (Variation ID: 644669). Experimental studies and prediction algorithms are not available or were not evaluated, and the functional significance of this variant is currently unknown. In summary, the available evidence is currently insufficient to determine the role of this variant in disease. Therefore, it has been classified as a Variant of Uncertain Significance.

NM_006514.4(SCN10A):c.4866_4867delinsCG (p.Ile1623Val)

Gene: SCN10A (sodium voltage-gated channel alpha subunit 10; minus strand). Cytogenetic location: 3p22.2.
Variant type: Indel.
Coding change: c.4866_4867delinsCG on transcript NM_006514.4 (MANE Select); coding-DNA positions 4866 to 4867, TA replaced by CG.
Protein change: p.Ile1623Val; replaces isoleucine 1623 with valine.
Molecular consequence: missense variant.
Genome position (GRCh38, 1-based): chr3:38,698,353-38,698,354, TA replaced by CG on the plus strand (TA replaced by CG on the coding strand, the reverse complement: SCN10A is on the minus strand). VCF-style: chr3-38698353-TA-CG. GRCh37 (hg19) VCF-style: chr3-38739844-TA-CG.
Other names: c.4866_4867delTAinsCG (NM_006514.3); c.4863_4864delinsCG, p.Ile1622Val (NM_001293306.2); c.4572_4573delinsCG, p.Ile1525Val (NM_001293307.2); short protein forms I1525V, I1623V, I1622V.
Identifiers: ClinVar variation 644669 (VCV000644669.4), dbSNP rs1575917354, ClinGen allele CA915942363.
Genomic context (GRCh38, chr3:38,698,353, plus strand): 5'-TGAACATGTCGTCGATGCCAGCCTCCCACCTCACATGGGGAAAGCTGGACATACCGAAGA[TA>CG]GAGTAGATGAACATGACAAGGAATAGCAACAGCCCGATGTTGAAGAGGGCAGGCAGGGAC-3'
Protein context (NP_006505.4, residues 1613-1633): LLFLVMFIYS[Ile1623Val]FGMSSFPHVR